The following is an entry in ClinVar:

NM_001372051.1(CASP8):c.306-1976del

Gene: CASP8 (caspase 8; plus strand). Cytogenetic location: 2q33.1.
Variant type: Deletion.
Coding change: c.306-1976del on transcript NM_001372051.1 (MANE Select); 1976 bases into the intron before coding-DNA position 306, one base deleted (A; older notation c.306-1976delA).
Molecular consequence: intron variant. On other transcripts: frameshift variant (1).
Genome position (GRCh38, 1-based): chr2:201,269,540, A deleted; the last of 2 consecutive A bases (chr2:201,269,539-201,269,540); deleting either gives the same sequence. VCF-style (leftmost placement, unchanged base first): chr2-201269538-GA-G. GRCh37 (hg19) VCF-style: chr2-202134261-GA-G.
Other names: c.336del, p.Ala113fs (NM_001228.5); c.306-1976del (NM_001400651.1, NM_001400663.1, NM_001400657.1 and 20 more transcripts); c.-227-1976del (NM_001400677.1, NM_001400750.1, NM_001400751.1 and 6 more transcripts); c.-4-1976del (NM_001400669.1); c.-306-1976del (NM_001400680.1); c.483-1976del (NM_001080125.2, NM_001400642.1, NM_001400665.1); c.-408-1976del (NM_001400674.1); short protein forms A113fs.
Identifiers: ClinVar variation 2790366 (VCV002790366.3), dbSNP rs2470003978, ClinGen allele CA2662636781.

ClinVar aggregate classification (germline): Pathogenic (1 of 4 stars; one submission).

Conditions:
Autoimmune lymphoproliferative syndrome type 2B. Also called: AUTOIMMUNE LYMPHOPROLIFERATIVE SYNDROME, TYPE IIB. Identifiers: Orphanet 275517, MedGen C1846545, MONDO:0011804, OMIM 607271.

Submission:

Labcorp Genetics (formerly Invitae), Labcorp
Classification: Pathogenic for Autoimmune lymphoproliferative syndrome type 2B. Last evaluated: 2024-03-16. Review status: criteria provided, single submitter. Criteria: Invitae Variant Classification Sherloc (09022015). Collection method: clinical testing. Allele origin: germline.
Comment: This sequence change creates a premature translational stop signal (p.Ala113Glnfs*20) in the CASP8 gene. It is expected to result in an absent or disrupted protein product. Loss-of-function variants in CASP8 are known to be pathogenic (PMID: 12353035, 25814141). This variant is not present in population databases (gnomAD no frequency). This variant has not been reported in the literature in individuals affected with CASP8-related conditions. For these reasons, this variant has been classified as Pathogenic.

Literature cited by the submitters: PubMed 12353035; PubMed 25814141.